The following is an entry in ClinVar:

ClinVar aggregate classification (germline): Uncertain significance. Review status: criteria provided, multiple submitters, no conflicts (2 of 4 stars). 2 submissions from 2 submitters: Uncertain significance (2). Last evaluated 2026-04-07.

Conditions:
Brugada syndrome. Also called: Sudden unexpected nocturnal death syndrome; Sudden unexplained nocturnal death syndrome; Sudden Unexplained Death Syndrome; Sudden Unexplained Nocturnal Death Syndrome (SUNDS). Identifiers: Orphanet 130, MedGen C1142166, MONDO:0015263.

Submissions (2):

GeneDx
Classification: Uncertain significance. Last evaluated: 2026-04-07. Review status: criteria provided, single submitter. Criteria: GeneDx Variant Classification Process June 2021. Collection method: clinical testing. Allele origin: germline.
Comment: Not observed at significant frequency in large population cohorts (gnomAD); In silico analysis supports that this missense variant has a deleterious effect on protein structure/function; Has not been previously published as pathogenic or benign to our knowledge

Labcorp Genetics (formerly Invitae), Labcorp
Classification: Uncertain significance for Brugada syndrome. Last evaluated: 2024-05-10. Review status: criteria provided, single submitter. Criteria: Invitae Variant Classification Sherloc (09022015). Collection method: clinical testing. Allele origin: germline.
Comment: This sequence change replaces phenylalanine, which is neutral and non-polar, with leucine, which is neutral and non-polar, at codon 127 of the KCNJ8 protein (p.Phe127Leu). This variant is not present in population databases (gnomAD no frequency). This variant has not been reported in the literature in individuals affected with KCNJ8-related conditions. Advanced modeling of protein sequence and biophysical properties (such as structural, functional, and spatial information, amino acid conservation, physicochemical variation, residue mobility, and thermodynamic stability) performed at Invitae indicates that this missense variant is not expected to disrupt KCNJ8 protein function with a negative predictive value of 80%. In summary, the available evidence is currently insufficient to determine the role of this variant in disease. Therefore, it has been classified as a Variant of Uncertain Significance.

NM_004982.4(KCNJ8):c.381C>G (p.Phe127Leu)

Genes: KCNJ8 (potassium inwardly rectifying channel subfamily J member 8; minus strand), KCNJ8-AS1 (KCNJ8 antisense RNA 1; plus strand). Cytogenetic location: 12p12.1.
Variant type: single nucleotide variant.
Coding change: c.381C>G on transcript NM_004982.4 (MANE Select); coding-DNA position 381, C replaced by G.
Protein change: p.Phe127Leu; replaces phenylalanine 127 with leucine.
Molecular consequence: missense variant.
Genome position (GRCh38, 1-based): chr12:21,766,617, G>C on the plus strand (C>G on the coding strand, the complement: KCNJ8 is on the minus strand). VCF-style: chr12-21766617-G-C. GRCh37 (hg19) VCF-style: chr12-21919551-G-C.
Other names: c.381C>G (NM_004982.2); short protein forms F127L.
Identifiers: ClinVar variation 3652914 (VCV003652914.3).
Genomic context (GRCh38, chr12:21,766,617, plus strand): 5'-CATCCTCCCTCCAAACCCAATGGTAACTTGAACTTCAATGGAGAAGAGAAAAGCAGAAGT[G>C]AAAGACCTGTGAGGAATGATATCAGAAAAGAACACCATCAGGTCACATTTTGAATAATGA-3'
Protein context (NP_004973.1, residues 117-137): STVCVTNVRS[Phe127Leu]TSAFLFSIEV